The following is an entry in ClinVar:

ClinVar aggregate classification (germline): Uncertain significance (1 of 4 stars; one submission).

Allele frequency attached by ClinVar (database versions not stated): gnomAD 0.00001; TOPMed 0.00002.
gnomAD v4.1: 98 of 1,582,304 alleles (0.0062%); highest among the groups gnomAD compares: Non-Finnish European, 0.0079%; no homozygotes.

Submission:

Labcorp Genetics (formerly Invitae), Labcorp
Classification: Uncertain significance. Last evaluated: 2022-04-04. Review status: criteria provided, single submitter. Criteria: Invitae Variant Classification Sherloc (09022015). Collection method: clinical testing. Allele origin: germline.
Comment: This sequence change replaces proline, which is neutral and non-polar, with serine, which is neutral and polar, at codon 276 of the GP6 protein (p.Pro276Ser). The frequency data for this variant in the population databases is considered unreliable, as metrics indicate poor data quality at this position in the gnomAD database. This variant has not been reported in the literature in individuals affected with GP6-related conditions. Algorithms developed to predict the effect of missense changes on protein structure and function output the following: SIFT: "Deleterious"; PolyPhen-2: "Benign"; Align-GVGD: "Class C0". The serine amino acid residue is found in multiple mammalian species, which suggests that this missense change does not adversely affect protein function. In summary, the available evidence is currently insufficient to determine the role of this variant in disease. Therefore, it has been classified as a Variant of Uncertain Significance.

NM_016363.5(GP6):c.822C>T (p.Cys274=)

Gene: GP6 (glycoprotein VI platelet; minus strand). Cytogenetic location: 19q13.42.
Variant type: single nucleotide variant.
Coding change: c.822C>T on transcript NM_016363.5 (MANE Select); coding-DNA position 822, C replaced by T.
Protein change: p.Cys274=; no amino-acid change (cysteine 274 retained).
Molecular consequence: synonymous variant. On other transcripts: missense variant (1).
Genome position (GRCh38, 1-based): chr19:55,015,119, G>A on the plus strand (C>T on the coding strand, the complement: GP6 is on the minus strand). VCF-style: chr19-55015119-G-A. GRCh37 (hg19) VCF-style: chr19-55526487-G-A.
Other names: c.826C>T, p.Pro276Ser (NM_001083899.2); c.768C>T, p.Cys256= (NM_001256017.2); short protein forms P276S.
Identifiers: ClinVar variation 2172092 (VCV002172092.1), dbSNP rs779332945, ClinGen allele CA310121954.
Genomic context (GRCh38, chr19:55,015,119, plus strand): 5'-CCGGCTGTGCCAGTCCTCTGCCAGAAACCCCGCCAGGATTATTAGGATCACAGCCCCGAG[G>A]CATATCCGGACCAGGTTGCCCTTGGTGTAGTACTGGCGGGCAGGACCTGGAGGAATGAGG-3'
Protein context (NP_057447.5, residues 264-284): YYTKGNLVRI[Cys274=]LGAVILIILA